The following is an entry in ClinVar:

NM_002016.2(FLG):c.11535C>T (p.Ser3845=)

Genes: CCDST (cervical cancer associated DHX9 suppressive transcript; plus strand), FLG (filaggrin; minus strand). Cytogenetic location: 1q21.3.
Variant type: single nucleotide variant.
Coding change: c.11535C>T on transcript NM_002016.2 (MANE Select); coding-DNA position 11535, C replaced by T.
Protein change: p.Ser3845=; no amino-acid change (serine 3845 retained).
Molecular consequence: synonymous variant.
Genome position (GRCh38, 1-based): chr1:152,303,351, G>A on the plus strand (C>T on the coding strand, the complement: FLG is on the minus strand). VCF-style: chr1-152303351-G-A. GRCh37 (hg19) VCF-style: chr1-152275827-G-A.
Identifiers: ClinVar variation 3765576 (VCV003765576.2).

ClinVar aggregate classification (germline): Conflicting classifications of pathogenicity. Review status: criteria provided, conflicting classifications (1 of 4 stars). 2 submissions from 2 submitters: Uncertain significance (1); Likely benign (1). Last evaluated 2024-11-04.

gnomAD v4.1: 140 of 1,614,072 alleles (0.0087%); highest among the groups gnomAD compares: South Asian, 0.02%; no homozygotes.

Submissions (2):

Blueprint Genetics
Classification: Likely benign. Last evaluated: 2024-11-04. Review status: criteria provided, single submitter. Criteria: ACMG Guidelines, 2015. Collection method: clinical testing. Allele origin: germline.

Greenwood Genetic Center Diagnostic Laboratories, Greenwood Genetic Center
Classification: Uncertain significance. Last evaluated: 2024-08-09. Review status: criteria provided, single submitter. Criteria: ACMG Guidelines, 2015. Collection method: clinical testing. Allele origin: germline. Affected: yes.
Comment: PM2, BP4